The following is an entry in ClinVar:

NM_020937.4(FANCM):c.5890GTG[1] (p.Val1965del)

Gene: FANCM (FA complementation group M; plus strand). Cytogenetic location: 14q21.2.
Variant type: Microsatellite.
Coding change: c.5890GTG[1] on transcript NM_020937.4 (MANE Select); one copy of the 3-base unit GTG starting at c.5890; the reference has two copies in a row; one copy, 3 bases deleted; also written c.5893_5895del.
Protein change: p.Val1965del; deletes valine 1965.
Molecular consequence: inframe deletion.
Genome position (GRCh38, 1-based): chr14:45,198,820-45,198,822, GTG deleted; deleting any 3 consecutive bases within chr14:45,198,817-45,198,822 gives the same sequence; the position shown is the placement nearest the transcript's 3' end. VCF-style (leftmost placement, unchanged base first): chr14-45198816-AGTG-A. GRCh37 (hg19) VCF-style: chr14-45668019-AGTG-A.
Other names: c.5812GTG[1], p.Val1939del (NM_001308133.2); c.5893_5895delGTG (NM_020937.2); c.5893_5895del (NM_020937.4, NM_020937.3); short protein forms V1965del, V1939del.
Identifiers: ClinVar variation 1034829 (VCV001034829.16), dbSNP rs769106934, ClinGen allele CA7170084.

ClinVar aggregate classification (germline): Uncertain significance. Review status: criteria provided, multiple submitters, no conflicts (2 of 4 stars). 5 submissions from 5 submitters: Uncertain significance (5). Last evaluated 2025-07-06.

Conditions:
Spermatogenic failure 28. Identifiers: MedGen C4748117, MONDO:0054732, OMIM 618086.
Premature ovarian failure 15. Identifiers: MedGen C4748170, MONDO:0054862, OMIM 618096.
Fanconi anemia (FA). Also called: Fanconi's anemia. Identifiers: Orphanet 84, MedGen C0015625, MeSH D005199, MONDO:0019391.

Submissions (5):

Dasa
Classification: Uncertain significance. Last evaluated: 2025-07-06. Review status: criteria provided, single submitter. Criteria: DASA Assertion Criteria. Collection method: clinical testing. Allele origin: germline.
Comment: NM_020937.4(FANCM):c.5893_5895del (p.Val1965del) is an in-frame deletion predicted to remove valine at protein position 1965 without shifting the reading frame. This variant is rare in population databases. The currently available literature and clinical evidence are not sufficient to establish a definitive association between this variant and the reported condition. Therefore, this variant is classified as a variant of uncertain significance.

Labcorp Genetics (formerly Invitae), Labcorp
Classification: Uncertain significance for Fanconi anemia. Last evaluated: 2025-06-27. Review status: criteria provided, single submitter. Criteria: Invitae Variant Classification Sherloc (09022015). Collection method: clinical testing. Allele origin: germline.
Comment: This variant, c.5893_5895del, results in the deletion of 1 amino acid(s) of the FANCM protein (p.Val1965del), but otherwise preserves the integrity of the reading frame. This variant is present in population databases (rs769106934, gnomAD 0.01%). This variant has not been reported in the literature in individuals affected with FANCM-related conditions. ClinVar contains an entry for this variant (Variation ID: 1034829). Experimental studies and prediction algorithms are not available or were not evaluated, and the functional significance of this variant is currently unknown. In summary, the available evidence is currently insufficient to determine the role of this variant in disease. Therefore, it has been classified as a Variant of Uncertain Significance.

Quest Diagnostics Nichols Institute San Juan Capistrano
Classification: Uncertain significance. Last evaluated: 2024-11-05. Review status: criteria provided, single submitter. Criteria: Quest Diagnostics criteria. Collection method: clinical testing. Allele origin: unknown.
Comment: The FANCM c.5893_5895del (p.Val1965del) variant has not been reported in individuals with FANCM-related conditions in the published literature. The frequency of this variant in the general population, 0.000085 (3/35428 chromosomes (Genome Aggregation Database)), is uninformative in the assessment of its pathogenicity. Based on the available information, we are unable to determine the clinical significance of this variant.

GeneDx
Classification: Uncertain significance. Last evaluated: 2023-06-05. Review status: criteria provided, single submitter. Criteria: GeneDx Variant Classification Process June 2021. Collection method: clinical testing. Allele origin: germline. Affected: yes.
Comment: In-frame deletion of 1 amino acid in a non-repeat region; Not observed at significant frequency in large population cohorts (gnomAD); In silico analysis supports a deleterious effect on protein structure/function; Has not been previously published as pathogenic or benign to our knowledge

Fulgent Genetics
Classification: Uncertain significance for Spermatogenic failure 28; Premature ovarian failure 15. Last evaluated: 2021-10-29. Review status: criteria provided, single submitter. Criteria: ACMG Guidelines, 2015. Collection method: clinical testing. Allele origin: unknown.